The following is an entry in ClinVar:

ClinVar aggregate classification (germline): Conflicting classifications of pathogenicity. Review status: criteria provided, conflicting classifications (1 of 4 stars). 2 submissions from 2 submitters: Likely pathogenic (1); Uncertain significance (1). Last evaluated 2026-01-27.

Conditions:
Primary hyperoxaluria, type I (HP1). Also called: OXALOSIS I; GLYCOLIC ACIDURIA; HEPATIC AGT DEFICIENCY; Primary hyperoxaluria type 1. Identifiers: Orphanet 416, Orphanet 93598, MedGen C0268164, MONDO:0009823, OMIM 259900. Disease mechanism: loss of function.

Allele frequency attached by ClinVar (database versions not stated): TOPMed below 0.00001.
gnomAD v4.1: 34 of 1,613,946 alleles (0.0021%); highest among the groups gnomAD compares: East Asian, 0.0067%; no homozygotes.

Submissions (2):

Labcorp Genetics (formerly Invitae), Labcorp
Classification: Likely pathogenic. Last evaluated: 2026-01-27. Review status: criteria provided, single submitter. Criteria: Invitae Variant Classification Sherloc (09022015). Collection method: clinical testing. Allele origin: germline.
Comment: This sequence change replaces asparagine, which is neutral and polar, with lysine, which is basic and polar, at codon 72 of the AGXT protein (p.Asn72Lys). This variant is present in population databases (rs202108064, gnomAD 0.003%). This variant has not been reported in the literature in individuals affected with AGXT-related conditions. ClinVar contains an entry for this variant (Variation ID: 2904314). Invitae Evidence Modeling of protein sequence and biophysical properties (such as structural, functional, and spatial information, amino acid conservation, physicochemical variation, residue mobility, and thermodynamic stability) indicates that this missense variant is expected to disrupt AGXT protein function with a positive predictive value of 80%. This variant disrupts the p.Asn72 amino acid residue in AGXT. Other variant(s) that disrupt this residue have been determined to be pathogenic (PMID: 27644547, 31215412). This suggests that this residue is clinically significant, and that variants that disrupt this residue are likely to be disease-causing. In summary, the currently available evidence indicates that the variant is pathogenic, but additional data are needed to prove that conclusively. Therefore, this variant has been classified as Likely Pathogenic.

Fulgent Genetics
Classification: Uncertain significance for Primary hyperoxaluria, type I. Last evaluated: 2024-06-18. Review status: criteria provided, single submitter. Criteria: ACMG Guidelines, 2015. Collection method: clinical testing. Allele origin: germline.

Literature cited by the submitters: PubMed 27644547 (cited by Labcorp Genetics (formerly Invitae), Labcorp); PubMed 31215412 (cited by Labcorp Genetics (formerly Invitae), Labcorp).

NM_000030.3(AGXT):c.216C>G (p.Asn72Lys)

Gene: AGXT (alanine--glyoxylate aminotransferase; plus strand). Cytogenetic location: 2q37.3.
Variant type: single nucleotide variant.
Coding change: c.216C>G on transcript NM_000030.3 (MANE Select); coding-DNA position 216, C replaced by G.
Protein change: p.Asn72Lys; replaces asparagine 72 with lysine.
Molecular consequence: missense variant.
Genome position (GRCh38, 1-based): chr2:240,869,220, C>G. VCF-style: chr2-240869220-C-G. GRCh37 (hg19) VCF-style: chr2-241808637-C-G.
Other names: short protein forms N72K.
Identifiers: ClinVar variation 2904314 (VCV002904314.4), dbSNP rs202108064, ClinGen allele CA68173786.
Genomic context (GRCh38, chr2:240,869,220, plus strand): 5'-CCGCATGCAGATCATGGACGAGATCAAGGAAGGCATCCAGTACGTGTTCCAGACCAGGAA[C>G]CCACTCACACTGGTCATCTCTGGCTCGGGACACTGTGCCCTGGAGGCCGCCCTGGTCAAT-3'
Protein context (NP_000021.1, residues 62-82): EGIQYVFQTR[Asn72Lys]PLTLVISGSG